The following is an entry in ClinVar:

NM_001276345.2(TNNT2):c.98-81G>A

Gene: TNNT2 (troponin T2, cardiac type; minus strand). Cytogenetic location: 1q32.1.
Variant type: single nucleotide variant.
Coding change: c.98-81G>A on transcript NM_001276345.2 (MANE Select); 81 bases into the intron before coding-DNA position 98, G replaced by A.
Molecular consequence: intron variant.
Genome position (GRCh38, 1-based): chr1:201,368,308, C>T on the plus strand (G>A on the coding strand, the complement: TNNT2 is on the minus strand). VCF-style: chr1-201368308-C-T. GRCh37 (hg19) VCF-style: chr1-201337436-C-T.
Other names: c.53-81G>A (NM_001001432.3); c.68-81G>A (NM_001001431.3, NM_001001430.3, NM_001276347.2); c.98-81G>A (NM_001276346.2, NM_000364.4).
Identifiers: ClinVar variation 238204 (VCV000238204.51), dbSNP rs45576939, ClinGen allele CA10581763.

ClinVar aggregate classification (germline): Benign/Likely benign. Review status: criteria provided, multiple submitters, no conflicts (2 of 4 stars). 8 submissions from 6 submitters: Benign (5); Likely benign (1). 2 of the submissions do not count toward it. Last evaluated 2026-01-05.

Conditions:
Cardiomyopathy, familial restrictive, 3. Identifiers: Orphanet 75249, MedGen C2676271, MONDO:0012900, OMIM 612422.
Hypertrophic cardiomyopathy 2. Also called: TNNT2-Related Familial Hypertrophic Cardiomyopathy. Identifiers: MedGen C1861864, MONDO:0007266, OMIM 115195.
Dilated cardiomyopathy 1D. Identifiers: Orphanet 154, Orphanet 54260, MedGen C1832243, MONDO:0011095, OMIM 601494.

Allele frequency attached by ClinVar (database versions not stated): 1000 Genomes Project 0.00260; TOPMed 0.00066; gnomAD 0.00067 and 0.00091; gnomAD exomes 0.00081; 1000 Genomes Project 30x 0.00234.

Submissions (8):

Labcorp Genetics (formerly Invitae), Labcorp
Classification: Likely benign for Cardiomyopathy, familial restrictive, 3; Hypertrophic cardiomyopathy 2; Dilated cardiomyopathy 1D. Last evaluated: 2026-01-05. Review status: criteria provided, single submitter. Criteria: Invitae Variant Classification Sherloc (09022015). Collection method: clinical testing. Allele origin: germline.

ARUP Laboratories, Molecular Genetics and Genomics, ARUP Laboratories
Classification: Benign. Last evaluated: 2025-04-08. Review status: criteria provided, single submitter. Criteria: ARUP Molecular Germline Variant Investigation Process 2024. Collection method: clinical testing. Allele origin: germline.

CeGaT Center for Human Genetics Tuebingen
Classification: Benign. Last evaluated: 2024-11-01. Review status: criteria provided, single submitter. Criteria: CeGaT Center For Human Genetics Tuebingen Variant Classification Criteria Version 2. Collection method: clinical testing. Allele origin: germline. Affected: yes. Observed: 3 variant alleles.
Comment: TNNT2: BS1, BS2

Genome-Nilou Lab
Classification: Benign for Dilated cardiomyopathy 1D. Last evaluated: 2023-04-11. Review status: criteria provided, single submitter. Criteria: ACMG Guidelines, 2015. Collection method: clinical testing. Allele origin: germline. Affected: no.

Genome-Nilou Lab
Classification: Benign for Cardiomyopathy, familial restrictive, 3. Last evaluated: 2023-04-11. Review status: criteria provided, single submitter. Criteria: ACMG Guidelines, 2015. Collection method: clinical testing. Allele origin: germline. Affected: no.

Genome-Nilou Lab
Classification: Benign for Hypertrophic cardiomyopathy 2. Last evaluated: 2023-04-11. Review status: criteria provided, single submitter. Criteria: ACMG Guidelines, 2015. Collection method: clinical testing. Allele origin: germline. Affected: no.

Genome Diagnostics Laboratory, University Medical Center Utrecht
Classification: Likely benign. Review status: no assertion criteria provided. Collection method: clinical testing. Allele origin: germline. Affected: yes. Study: VKGL Data-share Consensus. Not counted in ClinVar's aggregate classification.

Joint Genome Diagnostic Labs from Nijmegen and Maastricht, Radboudumc and MUMC+
Classification: Likely benign. Review status: no assertion criteria provided. Collection method: clinical testing. Allele origin: germline. Affected: yes. Study: VKGL Data-share Consensus. Not counted in ClinVar's aggregate classification.